The following is an entry in ClinVar:

NM_004333.6(BRAF):c.1140+2410A>G

Gene: BRAF (B-Raf proto-oncogene, serine/threonine kinase; minus strand). Cytogenetic location: 7q34.
Variant type: single nucleotide variant.
Coding change: c.1140+2410A>G on transcript NM_004333.6 (MANE Select); 2410 bases into the intron after coding-DNA position 1140, A replaced by G.
Molecular consequence: intron variant.
Genome position (GRCh38, 1-based): chr7:140,791,898, T>C on the plus strand (A>G on the coding strand, the complement: BRAF is on the minus strand). VCF-style: chr7-140791898-T-C. GRCh37 (hg19) VCF-style: chr7-140491698-T-C.
Other names: c.1140+2410A>G (NM_001378474.1, NM_001378471.1, NM_001378468.1 and 4 more transcripts); c.1038+2410A>G (NM_001378470.1); c.876+2410A>G (NM_001378475.1); c.1149+2410A>G (NM_001378467.1); c.984+2410A>G (NM_001378472.1, NM_001378473.1).
Identifiers: ClinVar variation 2658061 (VCV002658061.24), dbSNP rs547732292, ClinGen allele CA168098714.

ClinVar aggregate classification (germline): Likely benign (1 of 4 stars; one submission).

Allele frequency attached by ClinVar (database versions not stated): 1000 Genomes Project 30x 0.00016; 1000 Genomes Project 0.00020; gnomAD 0.00078; TOPMed 0.00089.
gnomAD v4.1: 122 of 152,330 alleles (0.08%); highest among the groups gnomAD compares: Admixed American, 0.052%; 1 homozygote.

Submission:

CeGaT Center for Human Genetics Tuebingen
Classification: Likely benign. Last evaluated: 2025-05-01. Review status: criteria provided, single submitter. Criteria: CeGaT Center For Human Genetics Tuebingen Variant Classification Criteria Version 2. Collection method: clinical testing. Allele origin: germline. Affected: yes. Observed: 2 variant alleles.
Comment: BRAF: BS1